The following is an entry in ClinVar:

NM_001165963.4(SCN1A):c.4964_4965del (p.Gly1655fs)

Genes: SCN1A (sodium voltage-gated channel alpha subunit 1; minus strand), LOC102724058 (uncharacterized LOC102724058; plus strand). Cytogenetic location: 2q24.3.
Variant type: Deletion.
Coding change: c.4964_4965del on transcript NM_001165963.4 (MANE Select); coding-DNA positions 4964 to 4965, 2 bases deleted (GG; older notation c.4964_4965delGG).
Protein change: p.Gly1655fs; shifts the reading frame from glycine 1655.
Molecular consequence: frameshift variant. On other transcripts: non-coding transcript variant (1).
Genome position (GRCh38, 1-based): chr2:165,992,310-165,992,311, CC deleted on the plus strand (GG on the coding strand, the reverse complement: SCN1A is on the minus strand); deleting any 2 consecutive bases within chr2:165,992,310-165,992,313 gives the same sequence; the c. name uses the placement nearest the transcript's 3' end. VCF-style (leftmost placement, unchanged base first): chr2-165992309-TCC-T. GRCh37 (hg19) VCF-style: chr2-166848819-TCC-T.
Other names: c.4880_4881del, p.Gly1627fs (NM_001165964.3, NM_001353957.2, NM_001353958.2); c.4964_4965del, p.Gly1655fs (NM_001202435.3, NM_001353948.2); c.4931_4932del, p.Gly1644fs (NM_001353949.2, NM_001353950.2, NM_001353951.2 and 2 more transcripts); c.4928_4929del, p.Gly1643fs (NM_001353954.2, NM_001353955.2); c.4877_4878del, p.Gly1626fs (NM_001353960.2); c.2522_2523del, p.Gly841fs (NM_001353961.2); short protein forms G1644fs, G1655fs, G841fs, G1626fs, G1627fs, G1643fs.
Identifiers: ClinVar variation 839832 (VCV000839832.10), dbSNP rs1573952473, ClinGen allele CA916082227.

ClinVar aggregate classification (germline): Pathogenic (1 of 4 stars; one submission).

Conditions:
Early-infantile DEE. Also called: Ohtahara syndrome; Early infantile epileptic encephalopathy with suppression bursts; Early infantile epileptic encephalopathy. Identifiers: Orphanet 1934, MedGen C0393706, MONDO:0800491.

Submission:

Labcorp Genetics (formerly Invitae), Labcorp
Classification: Pathogenic for Early-infantile DEE. Last evaluated: 2022-07-11. Review status: criteria provided, single submitter. Criteria: Invitae Variant Classification Sherloc (09022015). Collection method: clinical testing. Allele origin: germline.
Comment: ClinVar contains an entry for this variant (Variation ID: 839832). This variant has not been reported in the literature in individuals affected with SCN1A-related conditions. This variant is not present in population databases (gnomAD no frequency). This sequence change creates a premature translational stop signal (p.Gly1655Aspfs*17) in the SCN1A gene. While this is not anticipated to result in nonsense mediated decay, it is expected to disrupt the last 355 amino acid(s) of the SCN1A protein. This variant disrupts a region of the SCN1A protein in which other variant(s) (p.Arg1924Leufs*8) have been determined to be pathogenic (PMID: 27465585). This suggests that this is a clinically significant region of the protein, and that variants that disrupt it are likely to be disease-causing. For these reasons, this variant has been classified as Pathogenic.

Literature cited by the submitters: PubMed 27465585.